The following is an entry in ClinVar:

NM_001195263.2(PDZD7):c.2014G>A (p.Gly672Arg)

Gene: PDZD7 (PDZ domain containing 7; minus strand). Cytogenetic location: 10q24.31.
Variant type: single nucleotide variant.
Coding change: c.2014G>A on transcript NM_001195263.2 (MANE Select); coding-DNA position 2014, G replaced by A.
Protein change: p.Gly672Arg; replaces glycine 672 with arginine.
Molecular consequence: missense variant.
Genome position (GRCh38, 1-based): chr10:101,010,875, C>T on the plus strand (G>A on the coding strand, the complement: PDZD7 is on the minus strand). VCF-style: chr10-101010875-C-T. GRCh37 (hg19) VCF-style: chr10-102770632-C-T.
Other names: short protein forms G672R.
Identifiers: ClinVar variation 3898941 (VCV003898941.1).

ClinVar aggregate classification (germline): Uncertain significance (1 of 4 stars; one submission).

gnomAD v4.1: 3 of 1,533,900 alleles (0.0002%); highest among the groups gnomAD compares: Non-Finnish European, 0.00026%; no homozygotes.

Submission:

GeneDx
Classification: Uncertain significance. Last evaluated: 2024-11-07. Review status: criteria provided, single submitter. Criteria: GeneDx Variant Classification Process June 2021. Collection method: clinical testing. Allele origin: germline. Affected: yes.
Comment: Not observed at significant frequency in large population cohorts (gnomAD); In silico analysis supports that this missense variant has a deleterious effect on protein structure/function; Has not been previously published as pathogenic or benign to our knowledge